The following is an entry in ClinVar:

ClinVar aggregate classification (germline): Uncertain significance (1 of 4 stars; one submission).

gnomAD v4.1: 6 of 1,602,128 alleles (0.00037%); highest among the groups gnomAD compares: South Asian, 0.0033%; 1 homozygote.

Submission:

Labcorp Genetics (formerly Invitae), Labcorp
Classification: Uncertain significance. Last evaluated: 2025-09-03. Review status: criteria provided, single submitter. Criteria: Invitae Variant Classification Sherloc (09022015). Collection method: clinical testing. Allele origin: germline.
Comment: This sequence change replaces alanine, which is neutral and non-polar, with threonine, which is neutral and polar, at codon 1308 of the BRD4 protein (p.Ala1308Thr). The frequency data for this variant in the population databases is considered unreliable, as metrics indicate poor data quality at this position in the gnomAD database. This variant has not been reported in the literature in individuals affected with BRD4-related conditions. An algorithm developed to predict the effect of missense changes on protein structure and function (PolyPhen-2) suggests that this variant is likely to be tolerated. In summary, the available evidence is currently insufficient to determine the role of this variant in disease. Therefore, it has been classified as a Variant of Uncertain Significance.

NM_001379291.1(BRD4):c.3922G>A (p.Ala1308Thr)

Gene: BRD4 (bromodomain containing 4; minus strand). Cytogenetic location: 19p13.12.
Variant type: single nucleotide variant.
Coding change: c.3922G>A on transcript NM_001379291.1 (MANE Select); coding-DNA position 3922, G replaced by A.
Protein change: p.Ala1308Thr; replaces alanine 1308 with threonine.
Molecular consequence: missense variant.
Genome position (GRCh38, 1-based): chr19:15,238,841, C>T on the plus strand (G>A on the coding strand, the complement: BRD4 is on the minus strand). VCF-style: chr19-15238841-C-T. GRCh37 (hg19) VCF-style: chr19-15349652-C-T.
Other names: c.3922G>A, p.Ala1308Thr (NM_058243.3); short protein forms A1308T.
Identifiers: ClinVar variation 4695406 (VCV004695406.1).